The following is an entry in ClinVar:

NM_001256864.2(DNAJC6):c.416A>G (p.Asn139Ser)

Gene: DNAJC6 (DnaJ heat shock protein family (Hsp40) member C6; plus strand). Cytogenetic location: 1p31.3.
Variant type: single nucleotide variant.
Coding change: c.416A>G on transcript NM_001256864.2 (MANE Select); coding-DNA position 416, A replaced by G.
Protein change: p.Asn139Ser; replaces asparagine 139 with serine.
Molecular consequence: missense variant.
Genome position (GRCh38, 1-based): chr1:65,366,069, A>G. VCF-style: chr1-65366069-A-G. GRCh37 (hg19) VCF-style: chr1-65831752-A-G.
Other names: c.206A>G, p.Asn69Ser (NM_001256865.2); c.245A>G, p.Asn82Ser (NM_014787.4); short protein forms N139S, N69S, N82S.
Identifiers: ClinVar variation 1309325 (VCV001309325.2), dbSNP rs149898870, ClinGen allele CA893665.
Genomic context (GRCh38, chr1:65,366,069, plus strand): 5'-CATTTAACCTGTTTTCTTTCTGTGTGATCTCTCTCCTAGTGATGTCCTTTCCTCTGGACA[A>G]TGTTGACATAGGATTCAGGAATCAGGTTGATGACATTCGAAGCTTTTTGGATTCCAGACA-3'
Protein context (NP_001243793.1, residues 129-149): RIIVMSFPLD[Asn139Ser]VDIGFRNQVD

ClinVar aggregate classification (germline): Uncertain significance (1 of 4 stars; one submission).

Allele frequency attached by ClinVar (database versions not stated): gnomAD 0.00001; ExAC 0.00002; ESP Exome Variant Server 0.00008; gnomAD exomes 0.00002; TOPMed 0.00002.
gnomAD v4.1: 31 of 1,613,716 alleles (0.0019%); highest among the groups gnomAD compares: South Asian, 0.0055%; no homozygotes.

Submission:

GeneDx
Classification: Uncertain significance. Last evaluated: 2019-10-29. Review status: criteria provided, single submitter. Criteria: GeneDx Variant Classification Process June 2021. Collection method: clinical testing. Allele origin: germline. Affected: yes.
Comment: Has not been previously published as pathogenic or benign to our knowledge; Not observed at a significant frequency in large population cohorts (Lek et al., 2016); In silico analysis, which includes protein predictors and evolutionary conservation, supports that this variant does not alter protein structure/function; In silico analysis, which includes splice predictors and evolutionary conservation, suggests this variant may impact gene splicing. In the absence of RNA/functional studies, the actual effect of this sequence change is unknown.